The following is an entry in ClinVar:

NM_018489.3(ASH1L):c.5302C>T (p.Pro1768Ser)

Gene: ASH1L (ASH1 like histone lysine methyltransferase; minus strand). Cytogenetic location: 1q22.
Variant type: single nucleotide variant.
Coding change: c.5302C>T on transcript NM_018489.3 (MANE Select); coding-DNA position 5302, C replaced by T.
Protein change: p.Pro1768Ser; replaces proline 1768 with serine.
Molecular consequence: missense variant.
Genome position (GRCh38, 1-based): chr1:155,438,853, G>A on the plus strand (C>T on the coding strand, the complement: ASH1L is on the minus strand). VCF-style: chr1-155438853-G-A. GRCh37 (hg19) VCF-style: chr1-155408644-G-A.
Other names: c.5302C>T, p.Pro1768Ser (NM_001366177.2); c.5302C>T (NM_018489.2); short protein forms P1768S.
Identifiers: ClinVar variation 2578584 (VCV002578584.26), dbSNP rs138474502, ClinGen allele CA1146779.

ClinVar aggregate classification (germline): Likely benign. Review status: criteria provided, single submitter (1 of 4 stars). 2 submissions from 2 submitters: Likely benign (1). 1 of the submissions does not count toward it. Last evaluated 2026-03-01.

Conditions:
ASH1L-related disorder. Also called: ASH1L-related condition.

Allele frequency attached by ClinVar (database versions not stated): 1000 Genomes Project 0.00040; 1000 Genomes Project 30x 0.00062; ExAC 0.00071; gnomAD 0.00075; ESP Exome Variant Server 0.00077; gnomAD exomes 0.00105; TOPMed 0.00122.
gnomAD v4.1: 1,639 of 1,614,162 alleles (0.1%); highest among the groups gnomAD compares: Non-Finnish European, 0.13%; no homozygotes.

Submissions (2):

CeGaT Center for Human Genetics Tuebingen
Classification: Likely benign. Last evaluated: 2026-03-01. Review status: criteria provided, single submitter. Criteria: CeGaT Center For Human Genetics Tuebingen Variant Classification Criteria Version 2. Collection method: clinical testing. Allele origin: germline. Affected: yes. Observed: 10 variant alleles.
Comment: ASH1L: BS1

PreventionGenetics, part of Exact Sciences
Classification: Likely benign for ASH1L-related condition. Last evaluated: 2022-09-07. Review status: no assertion criteria provided. Collection method: clinical testing. Allele origin: germline. Not counted in ClinVar's aggregate classification.
Comment: This variant is classified as likely benign based on ACMG/AMP sequence variant interpretation guidelines (Richards et al. 2015 PMID: 25741868, with internal and published modifications).